The following is an entry in ClinVar:

NM_001003694.2(BRPF1):c.813C>T (p.Asp271=)

Gene: BRPF1 (bromodomain and PHD finger containing 1; plus strand). Cytogenetic location: 3p25.3.
Variant type: single nucleotide variant.
Coding change: c.813C>T on transcript NM_001003694.2 (MANE Select); coding-DNA position 813, C replaced by T.
Protein change: p.Asp271=; no amino-acid change (aspartic acid 271 retained).
Molecular consequence: synonymous variant. On other transcripts: non-coding transcript variant (1).
Genome position (GRCh38, 1-based): chr3:9,739,212, C>T. VCF-style: chr3-9739212-C-T. GRCh37 (hg19) VCF-style: chr3-9780896-C-T.
Other names: c.813C>T, p.Asp271= (NM_001319049.2, NM_001319050.2, NM_004634.3).
Identifiers: ClinVar variation 798633 (VCV000798633.5), dbSNP rs756734110, ClinGen allele CA2241784.

ClinVar aggregate classification (germline): Likely benign. Review status: criteria provided, single submitter (1 of 4 stars). 2 submissions from 2 submitters: Likely benign (1). 1 of the submissions does not count toward it. Last evaluated 2018-12-14.

Conditions:
BRPF1-related disorder. Also called: BRPF1-related condition.

Allele frequency attached by ClinVar (database versions not stated): gnomAD 0.00002; TOPMed 0.00002; ExAC 0.00003; gnomAD exomes 0.00004 and 0.00009.
gnomAD v4.1: 126 of 1,613,488 alleles (0.0078%); highest among the groups gnomAD compares: Non-Finnish European, 0.0099%; no homozygotes.

Submissions (2):

Labcorp Genetics (formerly Invitae), Labcorp
Classification: Likely benign. Last evaluated: 2018-12-14. Review status: criteria provided, single submitter. Criteria: Invitae Variant Classification Sherloc (09022015). Collection method: clinical testing. Allele origin: germline.

PreventionGenetics, part of Exact Sciences
Classification: Likely benign for BRPF1-related condition. Last evaluated: 2019-09-05. Review status: no assertion criteria provided. Collection method: clinical testing. Allele origin: germline. Not counted in ClinVar's aggregate classification.
Comment: This variant is classified as likely benign based on ACMG/AMP sequence variant interpretation guidelines (Richards et al. 2015 PMID: 25741868, with internal and published modifications).